The following is an entry in ClinVar:

NM_005554.4(KRT6A):c.1683C>A (p.Ser561Arg)

Gene: KRT6A (keratin 6A; minus strand). Cytogenetic location: 12q13.13.
Variant type: single nucleotide variant.
Coding change: c.1683C>A on transcript NM_005554.4 (MANE Select); coding-DNA position 1683, C replaced by A.
Protein change: p.Ser561Arg; replaces serine 561 with arginine.
Molecular consequence: missense variant.
Genome position (GRCh38, 1-based): chr12:52,487,732, G>T on the plus strand (C>A on the coding strand, the complement: KRT6A is on the minus strand). VCF-style: chr12-52487732-G-T. GRCh37 (hg19) VCF-style: chr12-52881516-G-T.
Other names: short protein forms S561R.
Identifiers: ClinVar variation 2854670 (VCV002854670.3), dbSNP rs1592183684, ClinGen allele CA384951915.

ClinVar aggregate classification (germline): Uncertain significance (1 of 4 stars; one submission).

Allele frequency attached by ClinVar (database versions not stated): TOPMed 0.00001; gnomAD exomes 0.00001.

Submission:

Labcorp Genetics (formerly Invitae), Labcorp
Classification: Uncertain significance. Last evaluated: 2022-12-25. Review status: criteria provided, single submitter. Criteria: Invitae Variant Classification Sherloc (09022015). Collection method: clinical testing. Allele origin: germline.
Comment: In summary, the available evidence is currently insufficient to determine the role of this variant in disease. Therefore, it has been classified as a Variant of Uncertain Significance. Algorithms developed to predict the effect of missense changes on protein structure and function are either unavailable or do not agree on the potential impact of this missense change (SIFT: "Deleterious"; PolyPhen-2: "Not Available"; Align-GVGD: "Class C0"). This variant has not been reported in the literature in individuals affected with KRT6A-related conditions. This variant is not present in population databases (gnomAD no frequency). This sequence change replaces serine, which is neutral and polar, with arginine, which is basic and polar, at codon 561 of the KRT6A protein (p.Ser561Arg).